The following is an entry in ClinVar:

ClinVar aggregate classification (germline): Conflicting classifications of pathogenicity. Review status: criteria provided, conflicting classifications (1 of 4 stars). 3 submissions from 3 submitters: Uncertain significance (2); Likely benign (1). Last evaluated 2025-11-26.

Conditions:
Hereditary nonpolyposis colorectal neoplasms. Identifiers: MedGen C0009405, MeSH D003123.
Hereditary cancer-predisposing syndrome. Also called: Hereditary neoplastic syndrome; Hereditary Cancer Syndrome; Neoplastic Syndromes, Hereditary; Tumor predisposition. Identifiers: Orphanet 140162, MedGen C0027672, MeSH D009386, MONDO:0015356.
Lynch syndrome 5 (LYNCH5). Also called: Hereditary non-polyposis colorectal cancer, type 5; Colorectal cancer, hereditary nonpolyposis, type 5. Identifiers: Orphanet 144, MedGen C1833477, MONDO:0013710, OMIM 614350. Disease mechanism: loss of function.

Submissions (3):

Myriad Genetics, Inc.
Classification: Likely benign for Lynch syndrome 5. Last evaluated: 2025-11-26. Review status: criteria provided, single submitter. Criteria: Myriad Autosomal Dominant, Autosomal Recessive and X-Linked Classification Criteria (2023). Collection method: clinical testing. Allele origin: unknown.
Comment: This variant is considered likely benign. This variant is strongly associated with less severe personal and family histories of cancer, typical for individuals without pathogenic variants in this gene [PMID: 27363726].

Ambry Genetics
Classification: Uncertain significance for Hereditary cancer-predisposing syndrome. Last evaluated: 2025-05-01. Review status: criteria provided, single submitter. Criteria: Ambry Variant Classification Scheme 2023. Collection method: clinical testing. Allele origin: germline.
Comment: The p.G1069R variant (also known as c.3205G>A), located in coding exon 5 of the MSH6 gene, results from a G to A substitution at nucleotide position 3205. The glycine at codon 1069 is replaced by arginine, an amino acid with dissimilar properties. This variant was identified in an individual with a personal history of ovarian cancer and family history of colon and endometrial cancers amongst a cohort of 1191 cancer index patients who underwent clinical evaluation and testing with multigene panels (Chan GHJ et al. Oncotarget, 2018 Jul;9:30649-30660). This amino acid position is well conserved in available vertebrate species. In addition, the in silico prediction for this alteration is inconclusive. Based on the available evidence, the clinical significance of this variant remains unclear.

Labcorp Genetics (formerly Invitae), Labcorp
Classification: Uncertain significance for Hereditary nonpolyposis colorectal neoplasms. Last evaluated: 2021-08-27. Review status: criteria provided, single submitter. Criteria: Invitae Variant Classification Sherloc (09022015). Collection method: clinical testing. Allele origin: germline.
Comment: This sequence change replaces glycine with arginine at codon 1069 of the MSH6 protein (p.Gly1069Arg). The glycine residue is moderately conserved and there is a moderate physicochemical difference between glycine and arginine. This variant is not present in population databases (ExAC no frequency). This missense change has been observed in individual(s) with ovarian cancer (PMID: 30093976). ClinVar contains an entry for this variant (Variation ID: 237182). Algorithms developed to predict the effect of missense changes on protein structure and function are either unavailable or do not agree on the potential impact of this missense change (SIFT: "Tolerated"; PolyPhen-2: "Probably Damaging"; Align-GVGD: "Class C0"). In summary, the available evidence is currently insufficient to determine the role of this variant in disease. Therefore, it has been classified as a Variant of Uncertain Significance.

Literature cited by the submitters: PubMed 27363726 (cited by Myriad Genetics, Inc.); PubMed 30093976 (cited by Ambry Genetics and Labcorp Genetics (formerly Invitae), Labcorp).

NM_000179.3(MSH6):c.3205G>A (p.Gly1069Arg)

Gene: MSH6 (mutS homolog 6; plus strand). Cytogenetic location: 2p16.3.
Variant type: single nucleotide variant.
Coding change: c.3205G>A on transcript NM_000179.3 (MANE Select); coding-DNA position 3205, G replaced by A.
Protein change: p.Gly1069Arg; replaces glycine 1069 with arginine.
Molecular consequence: missense variant.
Genome position (GRCh38, 1-based): chr2:47,803,452, G>A. VCF-style: chr2-47803452-G-A. GRCh37 (hg19) VCF-style: chr2-48030591-G-A.
Other names: c.2815G>A, p.Gly939Arg (NM_001281492.2); c.2299G>A, p.Gly767Arg (NM_001281493.2, NM_001281494.2); short protein forms G1069R, G767R, G939R.
Identifiers: ClinVar variation 237182 (VCV000237182.9), dbSNP rs764113705, ClinGen allele CA10582082.